The following is an entry in ClinVar:

ClinVar aggregate classification (germline): Uncertain significance (1 of 4 stars; one submission).

Submissions (2):

GeneDx
Classification: Uncertain significance. Last evaluated: 2020-01-02. Review status: criteria provided, single submitter. Criteria: GeneDx Variant Classification Process June 2021. Collection method: clinical testing. Allele origin: germline. Affected: yes.
Comment: Not observed in large population cohorts (Lek et al., 2016); In silico analysis, which includes protein predictors and evolutionary conservation, supports that this variant does not alter protein structure/function; Has not been previously published as pathogenic or benign to our knowledge

Dr. Peter K. Rogan Lab, Western University
No classification provided (evidence only). Condition: Uterine corpus endometrial carcinoma. Review status: no classification provided. Collection method: in vitro. Allele origin: not applicable. Functional consequence: retained intron. Not counted in ClinVar's aggregate classification.

NM_000052.7(ATP7A):c.2551G>A (p.Val851Ile)

Gene: ATP7A (ATPase copper transporting alpha; plus strand). Cytogenetic location: Xq21.1.
Variant type: single nucleotide variant.
Coding change: c.2551G>A on transcript NM_000052.7 (MANE Select); coding-DNA position 2551, G replaced by A.
Protein change: p.Val851Ile; replaces valine 851 with isoleucine.
Molecular consequence: missense variant.
Genome position (GRCh38, 1-based): chrX:78,015,806, G>A. VCF-style: chrX-78015806-G-A. GRCh37 (hg19) VCF-style: chrX-77271303-G-A.
Other names: NC_000023.10:g.77271303G>A; c.2317G>A, p.Val773Ile (NM_001282224.2); short protein forms V773I, V851I.
Identifiers: ClinVar variation 1311388 (VCV001311388.3), dbSNP rs2149097373, ClinGen allele CA413600975.
Genomic context (GRCh38, chrX:78,015,806, plus strand): 5'-ATATCCAGTGAAGAACAAGTGGATGTGGAACTTGTACAACGTGGAGATATCATTAAAGTA[G>A]TTCCAGGAGGCAAATTTCCAGTGGATGGTCGTGTTATTGAAGGACATTCTATGGTAGATG-3'
Protein context (NP_000043.4, residues 841-861): LVQRGDIIKV[Val851Ile]PGGKFPVDGR